The following is an entry in ClinVar:

NM_005120.3(MED12):c.4728T>C (p.Asn1576=)

Gene: MED12 (mediator complex subunit 12; plus strand). Cytogenetic location: Xq13.1.
Variant type: single nucleotide variant.
Coding change: c.4728T>C on transcript NM_005120.3 (MANE Select); coding-DNA position 4728, T replaced by C.
Protein change: p.Asn1576=; no amino-acid change (asparagine 1576 retained).
Molecular consequence: synonymous variant.
Genome position (GRCh38, 1-based): chrX:71,134,713, T>C. VCF-style: chrX-71134713-T-C. GRCh37 (hg19) VCF-style: chrX-70354563-T-C.
Identifiers: ClinVar variation 2091913 (VCV002091913.4), dbSNP rs2519707581, ClinGen allele CA516726641.

ClinVar aggregate classification (germline): Uncertain significance (1 of 4 stars; one submission).

Conditions:
FG syndrome (FGS). Identifiers: MedGen C0220769, MONDO:0002010.

Submission:

Labcorp Genetics (formerly Invitae), Labcorp
Classification: Uncertain significance for FG syndrome. Last evaluated: 2025-03-31. Review status: criteria provided, single submitter. Criteria: Invitae Variant Classification Sherloc (09022015). Collection method: clinical testing. Allele origin: germline.
Comment: This sequence change affects codon 1576 of the MED12 mRNA. It is a 'silent' change, meaning that it does not change the encoded amino acid sequence of the MED12 protein. It affects a nucleotide within the consensus splice site. This variant is not present in population databases (gnomAD no frequency). This variant has not been reported in the literature in individuals affected with MED12-related conditions. ClinVar contains an entry for this variant (Variation ID: 2091913). Algorithms developed to predict the effect of sequence changes on RNA splicing suggest that this variant is not likely to affect RNA splicing. In summary, the available evidence is currently insufficient to determine the role of this variant in disease. Therefore, it has been classified as a Variant of Uncertain Significance.